The following is an entry in ClinVar:

ClinVar aggregate classification (germline): Benign/Likely benign. Review status: criteria provided, multiple submitters, no conflicts (2 of 4 stars). 8 submissions from 8 submitters: Benign (3); Likely benign (3). 2 of the submissions do not count toward it. Last evaluated 2026-09-01.

Conditions:
Developmental and epileptic encephalopathy, 42 (DEE42A). Also called: Epileptic encephalopathy, early infantile, 42; DEVELOPMENTAL AND EPILEPTIC ENCEPHALOPATHY 42A; EPILEPTIC ENCEPHALOPATHY, EARLY INFANTILE, 42A. Identifiers: MedGen C4310716, MONDO:0014917, OMIM 617106.
Episodic ataxia type 2 (EA2). Also called: ACETAZOLAMIDE-RESPONSIVE HEREDITARY PAROXYSMAL CEREBELLAR ATAXIA; ATAXIA, EPISODIC, WITH NYSTAGMUS; ATAXIA, FAMILIAL PAROXYSMAL; CEREBELLAR ATAXIA, PAROXYSMAL, ACETAZOLAMIDE-RESPONSIVE; CEREBELLOPATHY, HEREDITARY PAROXYSMAL; EPISODIC ATAXIA, NYSTAGMUS-ASSOCIATED. Identifiers: Orphanet 97, MedGen C1720416, MONDO:0007163, OMIM 108500.
Inborn genetic diseases. Identifiers: MedGen C0950123, MeSH D030342.

Allele frequency attached by ClinVar (database versions not stated): TOPMed 0.00036; gnomAD 0.00044 and 0.00036; gnomAD exomes 0.00057 and 0.00075; 1000 Genomes Project 30x 0.00109; 1000 Genomes Project 0.00120; ExAC 0.00231.
gnomAD v4.1: 871 of 1,542,004 alleles (0.056%); highest among the groups gnomAD compares: Middle Eastern, 0.56%; 1 homozygote.

Submissions (8):

CeGaT Center for Human Genetics Tuebingen
Classification: Likely benign. Last evaluated: 2026-09-01. Review status: criteria provided, single submitter. Criteria: CeGaT Center For Human Genetics Tuebingen Variant Classification Criteria Version 2. Collection method: clinical testing. Allele origin: germline. Affected: yes. Observed: 16 variant alleles.
Comment: CACNA1A: BP4, BP7, BS1

Labcorp Genetics (formerly Invitae), Labcorp
Classification: Benign for Developmental and epileptic encephalopathy, 42; Episodic ataxia type 2. Last evaluated: 2026-01-22. Review status: criteria provided, single submitter. Criteria: Invitae Variant Classification Sherloc (09022015). Collection method: clinical testing. Allele origin: germline.

Mayo Clinic Laboratories, Mayo Clinic
Classification: Benign. Last evaluated: 2025-08-18. Review status: criteria provided, single submitter. Criteria: ACMG Guidelines, 2015. Collection method: clinical testing. Allele origin: germline. Observed: 3 variant alleles.
Comment: BS1, BS2, BP4, BP7

Blueprint Genetics
Classification: Likely benign. Last evaluated: 2024-10-10. Review status: criteria provided, single submitter. Criteria: ACMG Guidelines, 2015. Collection method: clinical testing. Allele origin: germline.

GeneDx
Classification: Benign. Last evaluated: 2019-10-25. Review status: criteria provided, single submitter. Criteria: GeneDx Variant Classification Process June 2021. Collection method: clinical testing. Allele origin: germline. Affected: yes.

Ambry Genetics
Classification: Likely benign for Inborn genetic diseases. Last evaluated: 2017-06-30. Review status: criteria provided, single submitter. Criteria: Ambry Variant Classification Scheme 2023. Collection method: clinical testing. Allele origin: germline.

Clinical Genetics DNA and cytogenetics Diagnostics Lab, Erasmus MC, Erasmus Medical Center
Classification: Likely benign. Review status: no assertion criteria provided. Collection method: clinical testing. Allele origin: germline. Affected: yes. Study: VKGL Data-share Consensus. Not counted in ClinVar's aggregate classification.

Laboratory of Diagnostic Genome Analysis, Leiden University Medical Center (LUMC)
Classification: Likely benign. Review status: no assertion criteria provided. Collection method: clinical testing. Allele origin: germline. Affected: yes. Study: VKGL Data-share Consensus. Not counted in ClinVar's aggregate classification.

NM_001127222.2(CACNA1A):c.2844C>G (p.Arg948=)

Gene: CACNA1A (calcium voltage-gated channel subunit alpha1 A; minus strand). Cytogenetic location: 19p13.13.
Variant type: single nucleotide variant.
Coding change: c.2844C>G on transcript NM_001127222.2 (MANE Select); coding-DNA position 2844, C replaced by G.
Protein change: p.Arg948=; no amino-acid change (arginine 948 retained).
Molecular consequence: synonymous variant.
Genome position (GRCh38, 1-based): chr19:13,298,789, G>C on the plus strand (C>G on the coding strand, the complement: CACNA1A is on the minus strand). VCF-style: chr19-13298789-G-C. GRCh37 (hg19) VCF-style: chr19-13409603-G-C.
Other names: p.Arg949=; c.2856C>G, p.Arg952= (NM_000068.4, NM_023035.3); c.2847C>G, p.Arg949= (NM_001127221.2, NM_001174080.2).
Identifiers: ClinVar variation 386004 (VCV000386004.47), dbSNP rs559862641, ClinGen allele CA9240459.